The following is an entry in ClinVar:

NM_004360.5(CDH1):c.464A>G (p.Asp155Gly)

Gene: CDH1 (cadherin 1; plus strand). Cytogenetic location: 16q22.1.
Variant type: single nucleotide variant.
Coding change: c.464A>G on transcript NM_004360.5 (MANE Select); coding-DNA position 464, A replaced by G.
Protein change: p.Asp155Gly; replaces aspartic acid 155 with glycine.
Molecular consequence: missense variant. On other transcripts: 5 prime UTR variant (2).
Genome position (GRCh38, 1-based): chr16:68,808,500, A>G. VCF-style: chr16-68808500-A-G. GRCh37 (hg19) VCF-style: chr16-68842403-A-G.
Other names: c.464A>G, p.Asp155Gly (NM_001317184.2); c.-1152A>G (NM_001317185.2); c.-1356A>G (NM_001317186.2); short protein forms D155G.
Identifiers: ClinVar variation 2005642 (VCV002005642.4), dbSNP rs2152129723, ClinGen allele CA396457673.
Genomic context (GRCh38, chr16:68,808,500, plus strand): 5'-TCCAAGCAGAATTGCTCACATTTCCCAACTCCTCTCCTGGCCTCAGAAGACAGAAGAGAG[A>G]CTGGGTTATTCCTCCCATCAGCTGCCCAGAAAATGAAAAAGGCCCATTTCCTAAAAACCT-3'
Protein context (NP_004351.1, residues 145-165): SSPGLRRQKR[Asp155Gly]WVIPPISCPE

ClinVar aggregate classification (germline): Uncertain significance (1 of 4 stars; one submission).

Conditions:
Hereditary diffuse gastric adenocarcinoma (HDGC). Also called: DIFFUSE GASTRIC AND LOBULAR BREAST CANCER SYNDROME. Identifiers: Orphanet 26106, MedGen C1708349, MONDO:0007648, OMIM 137215.

Submission:

Labcorp Genetics (formerly Invitae), Labcorp
Classification: Uncertain significance for Hereditary diffuse gastric adenocarcinoma. Last evaluated: 2022-06-13. Review status: criteria provided, single submitter. Criteria: Invitae Variant Classification Sherloc (09022015). Collection method: clinical testing. Allele origin: germline.
Comment: This sequence change replaces aspartic acid, which is acidic and polar, with glycine, which is neutral and non-polar, at codon 155 of the CDH1 protein (p.Asp155Gly). This variant is not present in population databases (gnomAD no frequency). This variant has not been reported in the literature in individuals affected with CDH1-related conditions. Algorithms developed to predict the effect of missense changes on protein structure and function are either unavailable or do not agree on the potential impact of this missense change (SIFT: "Tolerated"; PolyPhen-2: "Probably Damaging"; Align-GVGD: "Class C0"). In summary, the available evidence is currently insufficient to determine the role of this variant in disease. Therefore, it has been classified as a Variant of Uncertain Significance.